The following is an entry in ClinVar:

NM_000038.6(APC):c.4625C>G (p.Pro1542Arg)

Gene: APC (APC regulator of Wnt signaling pathway; plus strand). Cytogenetic location: 5q22.2.
Variant type: single nucleotide variant.
Coding change: c.4625C>G on transcript NM_000038.6 (MANE Select); coding-DNA position 4625, C replaced by G.
Protein change: p.Pro1542Arg; replaces proline 1542 with arginine.
Molecular consequence: missense variant.
Genome position (GRCh38, 1-based): chr5:112,840,219, C>G. VCF-style: chr5-112840219-C-G. GRCh37 (hg19) VCF-style: chr5-112175916-C-G.
Other names: c.4625C>G, p.Pro1542Arg (NM_001127510.3, NM_001354895.2); c.4571C>G, p.Pro1524Arg (NM_001127511.3); c.4679C>G, p.Pro1560Arg (NM_001354896.2); c.4655C>G, p.Pro1552Arg (NM_001354897.2); c.4550C>G, p.Pro1517Arg (NM_001354898.2); c.4541C>G, p.Pro1514Arg (NM_001354899.2); c.4502C>G, p.Pro1501Arg (NM_001354900.2); c.4448C>G, p.Pro1483Arg (NM_001354901.2); and 5 more; short protein forms P1542R, P1524R, P1416R, P1517R, P1382R, P1451R, P1483R, P1514R.
Identifiers: ClinVar variation 482322 (VCV000482322.16), dbSNP rs1554086026, ClinGen allele CA16031465.

ClinVar aggregate classification (germline): Uncertain significance. Review status: criteria provided, multiple submitters, no conflicts (2 of 4 stars). 2 submissions from 2 submitters: Uncertain significance (2). Last evaluated 2025-02-21.

Conditions:
Hereditary cancer-predisposing syndrome. Also called: Neoplastic Syndromes, Hereditary; Tumor predisposition; Hereditary Cancer Syndrome; Hereditary neoplastic syndrome. Identifiers: Orphanet 140162, MedGen C0027672, MeSH D009386, MONDO:0015356.
Familial adenomatous polyposis 1 (FAP1). Also called: FAMILIAL ADENOMATOUS POLYPOSIS 1, ATTENUATED; POLYPOSIS, ADENOMATOUS INTESTINAL. Identifiers: MedGen C2713442, MONDO:0021056, OMIM 175100. Disease mechanism: loss of function.

Allele frequency attached by ClinVar (database versions not stated): gnomAD exomes below 0.00001; TOPMed below 0.00001.
gnomAD v4.1: 1 of 1,613,972 alleles (0.000062%); highest among the groups gnomAD compares: Non-Finnish European, 0.000085%; no homozygotes.

Submissions (2):

Ambry Genetics
Classification: Uncertain significance for Hereditary cancer-predisposing syndrome. Last evaluated: 2025-02-21. Review status: criteria provided, single submitter. Criteria: Ambry Variant Classification Scheme 2023. Collection method: clinical testing. Allele origin: germline.
Comment: The p.P1542R variant (also known as c.4625C>G), located in coding exon 15 of the APC gene, results from a C to G substitution at nucleotide position 4625. The proline at codon 1542 is replaced by arginine, an amino acid with dissimilar properties. This variant has been reported in 1/1120 pediatric cancer patients who underwent whole genome sequencing and/or whole exome sequencing; this patient was diagnosed with T-cell ALL (Zhang J et al. N Engl J Med, 2015 Dec;373:2336-2346). This amino acid position is not well conserved in available vertebrate species. In addition, in silico predictors for this gene do not accurately predict pathogenicity. Missense alterations in APC are not a common cause of disease (Spier I et al. Genet Med. 2024 Feb;26(2):100992). Based on the available evidence, the clinical significance of this variant remains unclear.

Labcorp Genetics (formerly Invitae), Labcorp
Classification: Uncertain significance for Familial adenomatous polyposis 1. Last evaluated: 2024-12-04. Review status: criteria provided, single submitter. Criteria: Invitae Variant Classification Sherloc (09022015). Collection method: clinical testing. Allele origin: germline.
Comment: This sequence change replaces proline, which is neutral and non-polar, with arginine, which is basic and polar, at codon 1542 of the APC protein (p.Pro1542Arg). This variant is not present in population databases (gnomAD no frequency). This variant has not been reported in the literature in individuals affected with APC-related conditions. ClinVar contains an entry for this variant (Variation ID: 482322). Invitae Evidence Modeling of protein sequence and biophysical properties (such as structural, functional, and spatial information, amino acid conservation, physicochemical variation, residue mobility, and thermodynamic stability) indicates that this missense variant is not expected to disrupt APC protein function with a negative predictive value of 95%. In summary, the available evidence is currently insufficient to determine the role of this variant in disease. Therefore, it has been classified as a Variant of Uncertain Significance.

Literature cited by the submitters: PubMed 26580448 (cited by Ambry Genetics); PubMed 29517769 (cited by Ambry Genetics).